The following is an entry in ClinVar:

ClinVar aggregate classification (germline): Uncertain significance (1 of 4 stars; one submission).

Allele frequency attached by ClinVar (database versions not stated): TOPMed below 0.00001; gnomAD 0.00001.
gnomAD v4.1: 2 of 1,601,268 alleles (0.00012%); highest among the groups gnomAD compares: African/African-American, 0.0027%; no homozygotes.

Submission:

Labcorp Genetics (formerly Invitae), Labcorp
Classification: Uncertain significance. Last evaluated: 2024-11-11. Review status: criteria provided, single submitter. Criteria: Invitae Variant Classification Sherloc (09022015). Collection method: clinical testing. Allele origin: germline.
Comment: This sequence change replaces glycine, which is neutral and non-polar, with serine, which is neutral and polar, at codon 265 of the SAMD11 protein (p.Gly265Ser). This variant is present in population databases (no rsID available, gnomAD 0.01%). This variant has not been reported in the literature in individuals affected with SAMD11-related conditions. ClinVar contains an entry for this variant (Variation ID: 1951833). An algorithm developed to predict the effect of missense changes on protein structure and function (PolyPhen-2) suggests that this variant is likely to be tolerated. In summary, the available evidence is currently insufficient to determine the role of this variant in disease. Therefore, it has been classified as a Variant of Uncertain Significance.

NM_001385641.1(SAMD11):c.1282G>A (p.Gly428Ser)

Gene: SAMD11 (sterile alpha motif domain containing 11; plus strand). Cytogenetic location: 1p36.33.
Variant type: single nucleotide variant.
Coding change: c.1282G>A on transcript NM_001385641.1 (MANE Select); coding-DNA position 1282, G replaced by A.
Protein change: p.Gly428Ser; replaces glycine 428 with serine.
Molecular consequence: missense variant.
Genome position (GRCh38, 1-based): chr1:941,230, G>A. VCF-style: chr1-941230-G-A. GRCh37 (hg19) VCF-style: chr1-876610-G-A.
Other names: c.1285G>A, p.Gly429Ser (NM_001385640.1); c.793G>A, p.Gly265Ser (NM_152486.4); short protein forms G265S, G428S, G429S.
Identifiers: ClinVar variation 1951833 (VCV001951833.5), dbSNP rs759641902, ClinGen allele CA337803591.